The following is an entry in ClinVar:

NM_004239.4(TRIP11):c.3133C>A (p.Gln1045Lys)

Gene: TRIP11 (thyroid hormone receptor interactor 11; minus strand). Cytogenetic location: 14q32.12.
Variant type: single nucleotide variant.
Coding change: c.3133C>A on transcript NM_004239.4 (MANE Select); coding-DNA position 3133, C replaced by A.
Protein change: p.Gln1045Lys; replaces glutamine 1045 with lysine.
Molecular consequence: missense variant.
Genome position (GRCh38, 1-based): chr14:92,004,843, G>T on the plus strand (C>A on the coding strand, the complement: TRIP11 is on the minus strand). VCF-style: chr14-92004843-G-T. GRCh37 (hg19) VCF-style: chr14-92471187-G-T.
Other names: c.3130C>A, p.Gln1044Lys (NM_001321851.1); short protein forms Q1045K, Q1044K.
Identifiers: ClinVar variation 1500166 (VCV001500166.6), dbSNP rs2140117610, ClinGen allele CA390654097.

ClinVar aggregate classification (germline): Uncertain significance (1 of 4 stars; one submission).

Conditions:
Achondrogenesis, type IA (ACG1A). Identifiers: Orphanet 932, Orphanet 93299, MedGen C0265273, MONDO:0008701, OMIM 200600.

Submission:

Labcorp Genetics (formerly Invitae), Labcorp
Classification: Uncertain significance for Achondrogenesis, type IA. Last evaluated: 2021-10-28. Review status: criteria provided, single submitter. Criteria: Invitae Variant Classification Sherloc (09022015). Collection method: clinical testing. Allele origin: germline.
Comment: This variant is not present in population databases (gnomAD no frequency). In summary, the available evidence is currently insufficient to determine the role of this variant in disease. Therefore, it has been classified as a Variant of Uncertain Significance. Algorithms developed to predict the effect of missense changes on protein structure and function are either unavailable or do not agree on the potential impact of this missense change (SIFT: "Not Available"; PolyPhen-2: "Benign"; Align-GVGD: "Not Available"). This variant has not been reported in the literature in individuals affected with TRIP11-related conditions. This sequence change replaces glutamine, which is neutral and polar, with lysine, which is basic and polar, at codon 1045 of the TRIP11 protein (p.Gln1045Lys).